The following is an entry in ClinVar:

NM_000219.6(KCNE1):c.254A>G (p.Asp85Gly)

Gene: KCNE1 (potassium voltage-gated channel subfamily E regulatory subunit 1; minus strand). Cytogenetic location: 21q22.12.
Variant type: single nucleotide variant.
Coding change: c.254A>G on transcript NM_000219.6 (MANE Select); coding-DNA position 254, A replaced by G.
Protein change: p.Asp85Gly; replaces aspartic acid 85 with glycine.
Molecular consequence: missense variant.
Genome position (GRCh38, 1-based): chr21:34,449,381, T>C on the plus strand (A>G on the coding strand, the complement: KCNE1 is on the minus strand). VCF-style: chr21-34449381-T-C. GRCh37 (hg19) VCF-style: chr21-35821679-T-C.
Other names: c.254A>G, p.Asp85Gly (NM_001127668.4, NM_001127669.4, NM_001127670.4 and 4 more transcripts); short protein forms D85G.
Identifiers: ClinVar variation 3374449 (VCV003374449.2).

Conditions:
Long QT syndrome 5 (LQT5). Identifiers: Orphanet 101016, Orphanet 768, MedGen C1867904, MONDO:0013372, OMIM 613695.

Submission:

Roden Lab, Vanderbilt University Medical Center
No classification provided (evidence only). Condition: Long QT syndrome 5. Review status: no classification provided. Collection method: in vitro. Allele origin: not applicable. Functional consequence: Effect on ion channel function.
ClinVar note: "not provided" was previously submitted as the classification for the variant. However, the classification appeared to be based only on an observation of functional data so it was converted to no classification on 2025-07-30.